The following is an entry in ClinVar:

NM_004655.4(AXIN2):c.1210A>G (p.Arg404Gly)

Gene: AXIN2 (axin 2; minus strand). Cytogenetic location: 17q24.1.
Variant type: single nucleotide variant.
Coding change: c.1210A>G on transcript NM_004655.4 (MANE Select); coding-DNA position 1210, A replaced by G.
Protein change: p.Arg404Gly; replaces arginine 404 with glycine.
Molecular consequence: missense variant.
Genome position (GRCh38, 1-based): chr17:65,537,826, T>C on the plus strand (A>G on the coding strand, the complement: AXIN2 is on the minus strand). VCF-style: chr17-65537826-T-C. GRCh37 (hg19) VCF-style: chr17-63533944-T-C.
Other names: c.1210A>G, p.Arg404Gly (NM_001363813.1); short protein forms R404G.
Identifiers: ClinVar variation 2576320 (VCV002576320.5), dbSNP rs2509418608, ClinGen allele CA400677959.
Genomic context (GRCh38, chr17:65,537,826, plus strand): 5'-AGAGGGGGTGCTGCGTGGGCGCCCCCTCCCGCGAATTGAGTGTGAGCTCGGAGCCCTCTC[T>C]CTCTTCATCCTGAAAGGGAAGACGTCAGAAGGAGAAGTGACCCAGGAAGCAGAAGGGCCA-3'
Protein context (NP_004646.3, residues 394-414): RLQQIREDEE[Arg404Gly]EGSELTLNSR

ClinVar aggregate classification (germline): Uncertain significance. Review status: criteria provided, multiple submitters, no conflicts (2 of 4 stars). 2 submissions from 2 submitters: Uncertain significance (2). Last evaluated 2025-03-04.

Conditions:
Oligodontia-cancer predisposition syndrome. Also called: TOOTH AGENESIS-COLORECTAL CANCER SYNDROME. Identifiers: Orphanet 300576, MedGen C1837750, MONDO:0012075, OMIM 608615. Disease mechanism: loss of function.

Submissions (2):

Center for Genomic Medicine, Rigshospitalet, Copenhagen University Hospital
Classification: Uncertain significance. Last evaluated: 2025-03-04. Review status: criteria provided, single submitter. Criteria: ACMG Guidelines, 2015. Collection method: clinical testing. Allele origin: germline.

Labcorp Genetics (formerly Invitae), Labcorp
Classification: Uncertain significance for Oligodontia-cancer predisposition syndrome. Last evaluated: 2022-11-10. Review status: criteria provided, single submitter. Criteria: Invitae Variant Classification Sherloc (09022015). Collection method: clinical testing. Allele origin: germline.
Comment: In summary, the available evidence is currently insufficient to determine the role of this variant in disease. Therefore, it has been classified as a Variant of Uncertain Significance. Advanced modeling of protein sequence and biophysical properties (such as structural, functional, and spatial information, amino acid conservation, physicochemical variation, residue mobility, and thermodynamic stability) performed at Invitae indicates that this missense variant is not expected to disrupt AXIN2 protein function. This variant has not been reported in the literature in individuals affected with AXIN2-related conditions. This variant is not present in population databases (gnomAD no frequency). This sequence change replaces arginine, which is basic and polar, with glycine, which is neutral and non-polar, at codon 404 of the AXIN2 protein (p.Arg404Gly).